The following is an entry in ClinVar:

NM_006231.4(POLE):c.1002C>T (p.Val334=)

Gene: POLE (DNA polymerase epsilon, catalytic subunit; minus strand). Cytogenetic location: 12q24.33.
Variant type: single nucleotide variant.
Coding change: c.1002C>T on transcript NM_006231.4 (MANE Select); coding-DNA position 1002, C replaced by T.
Protein change: p.Val334=; no amino-acid change (valine 334 retained).
Molecular consequence: synonymous variant.
Genome position (GRCh38, 1-based): chr12:132,676,112, G>A on the plus strand (C>T on the coding strand, the complement: POLE is on the minus strand). VCF-style: chr12-132676112-G-A. GRCh37 (hg19) VCF-style: chr12-133252698-G-A.
Identifiers: ClinVar variation 511420 (VCV000511420.4), dbSNP rs1555229284, ClinGen allele CA482722924.
Genomic context (GRCh38, chr12:132,676,112, plus strand): 5'-TTCCCACAATACCGGGTAGTTTCCCAAGTGATACCTCCTTACCTCATCGGGTTCATTGAA[G>A]ACACAAAAGGGGCCTTCATATTCTGGCTTGGGGGTGAACTCAAAATCTTCAATATCTTCT-3'
Protein context (NP_006222.2, residues 324-344): PKPEYEGPFC[Val334=]FNEPDEAHLI

ClinVar aggregate classification (germline): Benign/Likely benign. Review status: criteria provided, multiple submitters, no conflicts (2 of 4 stars). 4 submissions from 4 submitters: Benign (1); Likely benign (3). Last evaluated 2025-12-03.

Conditions:
Hereditary cancer-predisposing syndrome. Also called: Hereditary neoplastic syndrome; Hereditary Cancer Syndrome; Neoplastic Syndromes, Hereditary; Tumor predisposition. Identifiers: Orphanet 140162, MedGen C0027672, MeSH D009386, MONDO:0015356.
Colorectal cancer, susceptibility to, 12 (CRCS12). Also called: COLORECTAL CANCER, SUSCEPTIBILITY TO, ON CHROMOSOME 12q24. Identifiers: Orphanet 220460, MedGen C3554460, MONDO:0014038, OMIM 615083.

Submissions (4):

Labcorp Genetics (formerly Invitae), Labcorp
Classification: Likely benign. Last evaluated: 2025-12-03. Review status: criteria provided, single submitter. Criteria: Invitae Variant Classification Sherloc (09022015). Collection method: clinical testing. Allele origin: germline.

Ambry Genetics
Classification: Likely benign for Hereditary cancer-predisposing syndrome. Last evaluated: 2025-10-19. Review status: criteria provided, single submitter. Criteria: Ambry Variant Classification Scheme 2023. Collection method: clinical testing. Allele origin: germline.

Myriad Genetics, Inc.
Classification: Benign for Colorectal cancer, susceptibility to, 12. Last evaluated: 2025-02-07. Review status: criteria provided, single submitter. Criteria: Myriad Autosomal Dominant, Autosomal Recessive and X-Linked Classification Criteria (2023). Collection method: clinical testing. Allele origin: unknown.
Comment: This variant is considered benign. This variant is a silent/synonymous amino acid change and it is not expected to impact splicing.

GeneDx
Classification: Likely benign. Last evaluated: 2017-08-17. Review status: criteria provided, single submitter. Criteria: GeneDx Variant Classification (06012015). Collection method: clinical testing. Allele origin: germline. Affected: yes.
Comment: This variant is considered likely benign or benign based on one or more of the following criteria: it is a conservative change, it occurs at a poorly conserved position in the protein, it is predicted to be benign by multiple in silico algorithms, and/or has population frequency not consistent with disease.